The following is an entry in ClinVar:

ClinVar aggregate classification (germline): Pathogenic (1 of 4 stars; one submission).

Submission:

GeneDx
Classification: Pathogenic. Last evaluated: 2018-02-09. Review status: criteria provided, single submitter. Criteria: GeneDx Variant Classification (06012015). Collection method: clinical testing. Allele origin: germline. Affected: yes.
Comment: The R2334X variant in the BPTF gene has not been reported previously as a pathogenic variant nor as a benign variant, to our knowledge. This variant is predicted to cause loss of normal protein function either through protein truncation or nonsense-mediated mRNA decay. The R2334X variant is not observed in large population cohorts (Lek et al., 2016). We interpret R2334X as a pathogenic variant.

NM_182641.4(BPTF):c.6622C>T (p.Arg2208Ter)

Gene: BPTF (bromodomain PHD finger transcription factor; plus strand). Cytogenetic location: 17q24.2.
Variant type: single nucleotide variant.
Coding change: c.6622C>T on transcript NM_182641.4 (MANE Select); coding-DNA position 6622, C replaced by T.
Protein change: p.Arg2208Ter; replaces arginine 2208 with a stop codon.
Molecular consequence: nonsense.
Genome position (GRCh38, 1-based): chr17:67,944,294, C>T. VCF-style: chr17-67944294-C-T. GRCh37 (hg19) VCF-style: chr17-65940410-C-T.
Other names: c.7000C>T, p.Arg2334Ter (NM_004459.7); short protein forms R2334*, R2208*.
Identifiers: ClinVar variation 504258 (VCV000504258.2), dbSNP rs1158151918, ClinGen allele CA400722910.